The following is an entry in ClinVar:

NM_014611.3(MDN1):c.16459+7T>C

Genes: MDN1 (midasin AAA ATPase 1; minus strand), MDN1-AS1 (MDN1 antisense RNA 1; plus strand). Cytogenetic location: 6q15.
Variant type: single nucleotide variant.
Coding change: c.16459+7T>C on transcript NM_014611.3 (MANE Select); 7 bases into the intron after coding-DNA position 16459, T replaced by C.
Molecular consequence: intron variant.
Genome position (GRCh38, 1-based): chr6:89,646,533, A>G on the plus strand (T>C on the coding strand, the complement: MDN1 is on the minus strand). VCF-style: chr6-89646533-A-G. GRCh37 (hg19) VCF-style: chr6-90356252-A-G.
Identifiers: ClinVar variation 3045290 (VCV003045290.2), dbSNP rs112928258, ClinGen allele CA3921964.
Genomic context (GRCh38, chr6:89,646,533, plus strand): 5'-CAAGCAGCTTGGGAATATAGAGTACAAGAAAGCATTTTGTTAATGAAGAGGAAGGCATGC[A>G]GCTCACCTGAACTGATGTTCTGCGAGAGCTGCTGAGCAGCTGCAAACATGTTGGCAACAG-3'

ClinVar aggregate classification (germline): Benign (0 of 4 stars; one submission).

Conditions:
MDN1-related disorder. Also called: MDN1-related condition.

Allele frequency attached by ClinVar (database versions not stated): gnomAD exomes 0.00033; ExAC 0.00130; 1000 Genomes Project 30x 0.00312; 1000 Genomes Project 0.00339; gnomAD 0.00364; TOPMed 0.00437; ESP Exome Variant Server 0.00469.
gnomAD v4.1: 1,068 of 1,613,714 alleles (0.066%); highest among the groups gnomAD compares: African/African-American, 1.2%; 10 homozygotes.

Submission:

PreventionGenetics, part of Exact Sciences
Classification: Benign for MDN1-related condition. Last evaluated: 2019-03-25. Review status: no assertion criteria provided. Collection method: clinical testing. Allele origin: germline.
Comment: This variant is classified as benign based on ACMG/AMP sequence variant interpretation guidelines (Richards et al. 2015 PMID: 25741868, with internal and published modifications).